The following is an entry in ClinVar:

NM_020812.4(DOCK6):c.3797C>T (p.Pro1266Leu)

Genes: DOCK6 (dedicator of cytokinesis 6; minus strand), DOCK6-AS1 (DOCK6 antisense RNA 1; plus strand). Cytogenetic location: 19p13.2.
Variant type: single nucleotide variant.
Coding change: c.3797C>T on transcript NM_020812.4 (MANE Select); coding-DNA position 3797, C replaced by T.
Protein change: p.Pro1266Leu; replaces proline 1266 with leucine.
Molecular consequence: missense variant.
Genome position (GRCh38, 1-based): chr19:11,217,011, G>A on the plus strand (C>T on the coding strand, the complement: DOCK6 is on the minus strand). VCF-style: chr19-11217011-G-A. GRCh37 (hg19) VCF-style: chr19-11327687-G-A.
Other names: c.3902C>T, p.Pro1301Leu (NM_001367830.1); short protein forms P1266L, P1301L.
Identifiers: ClinVar variation 1423186 (VCV001423186.8), dbSNP rs374437993, ClinGen allele CA9207125.
Genomic context (GRCh38, chr19:11,217,011, plus strand): 5'-TCCAACAGACGTCCCAGCTGGGGGAGTGTCAGGTCAGTGGCCCAGCGCTGCAGGAGCGCC[G>A]GCTCGGTGTTTTTCAGCACCCACAGCACACACGCCAGCAAGGTCCGGCTTGACTCAGCAG-3'
Protein context (NP_065863.2, residues 1256-1276): CVLWVLKNTE[Pro1266Leu]ALLQRWATDL

ClinVar aggregate classification (germline): Uncertain significance. Review status: criteria provided, multiple submitters, no conflicts (2 of 4 stars). 2 submissions from 2 submitters: Uncertain significance (2). Last evaluated 2023-12-07.

Conditions:
Adams-Oliver syndrome 2 (AOS2). Identifiers: Orphanet 974, MedGen C3280182, MONDO:0013635, OMIM 614219.

Submissions (2):

Labcorp Genetics (formerly Invitae), Labcorp
Classification: Uncertain significance. Last evaluated: 2023-12-07. Review status: criteria provided, single submitter. Criteria: Invitae Variant Classification Sherloc (09022015). Collection method: clinical testing. Allele origin: germline.
Comment: This sequence change replaces proline, which is neutral and non-polar, with leucine, which is neutral and non-polar, at codon 1266 of the DOCK6 protein (p.Pro1266Leu). This variant is present in population databases (rs374437993, gnomAD 0.007%). This variant has not been reported in the literature in individuals affected with DOCK6-related conditions. ClinVar contains an entry for this variant (Variation ID: 1423186). Advanced modeling of protein sequence and biophysical properties (such as structural, functional, and spatial information, amino acid conservation, physicochemical variation, residue mobility, and thermodynamic stability) performed at Invitae indicates that this missense variant is not expected to disrupt DOCK6 protein function with a negative predictive value of 80%. In summary, the available evidence is currently insufficient to determine the role of this variant in disease. Therefore, it has been classified as a Variant of Uncertain Significance.

Juno Genomics, Hangzhou Juno Genomics, Inc
Classification: Uncertain significance for Adams-Oliver syndrome 2. Review status: criteria provided, single submitter. Criteria: ACMG Guidelines, 2015. Collection method: clinical testing. Allele origin: germline.
Comment: Absent from controls (or at extremely low frequency if recessive) in Genome Aggregation Database.;Multiple lines of computational evidence suggest no impact on gene or gene product.